The following is an entry in ClinVar:

NM_174878.3(CLRN1):c.151G>C (p.Gly51Arg)

Gene: CLRN1 (clarin 1; minus strand). Cytogenetic location: 3q25.1.
Variant type: single nucleotide variant.
Coding change: c.151G>C on transcript NM_174878.3 (MANE Select); coding-DNA position 151, G replaced by C.
Protein change: p.Gly51Arg; replaces glycine 51 with arginine.
Molecular consequence: missense variant. On other transcripts: non-coding transcript variant (1).
Genome position (GRCh38, 1-based): chr3:150,972,558, C>G on the plus strand (G>C on the coding strand, the complement: CLRN1 is on the minus strand). VCF-style: chr3-150972558-C-G. GRCh37 (hg19) VCF-style: chr3-150690345-C-G.
Other names: c.151G>C, p.Gly51Arg (NM_001195794.1, NM_001256819.2); short protein forms G51R.
Identifiers: ClinVar variation 936382 (VCV000936382.7), dbSNP rs752143225, ClinGen allele CA355011953.
Genomic context (GRCh38, chr3:150,972,558, plus strand): 5'-CACCCTCTCCGTGGAAAAGCCCGTACTGCATTTCACCCATAAACTTGTCCAGCTCCTGCC[C>G]TGAGGCATTGACGAGCAGAGCTCCCGTTTTGCAGAGGACAGTGGCTTTGATCCACAACGG-3'
Protein context (NP_777367.1, residues 41-61): KTGALLVNAS[Gly51Arg]QELDKFMGEM

ClinVar aggregate classification (germline): Uncertain significance. Review status: criteria provided, multiple submitters, no conflicts (2 of 4 stars). 2 submissions from 2 submitters: Uncertain significance (2). Last evaluated 2023-07-24.

Allele frequency attached by ClinVar (database versions not stated): TOPMed below 0.00001.
gnomAD v4.1: 1 of 1,614,262 alleles (0.000062%); highest among the groups gnomAD compares: Non-Finnish European, 0.000085%; no homozygotes.

Submissions (2):

Women's Health and Genetics/Laboratory Corporation of America, LabCorp
Classification: Uncertain significance. Last evaluated: 2023-07-24. Review status: criteria provided, single submitter. Criteria: LabCorp Variant Classification Summary - May 2015. Collection method: clinical testing. Allele origin: germline.

Labcorp Genetics (formerly Invitae), Labcorp
Classification: Uncertain significance. Last evaluated: 2022-01-06. Review status: criteria provided, single submitter. Criteria: Invitae Variant Classification Sherloc (09022015). Collection method: clinical testing. Allele origin: germline.
Comment: This sequence change replaces glycine, which is neutral and non-polar, with arginine, which is basic and polar, at codon 51 of the CLRN1 protein (p.Gly51Arg). This variant is not present in population databases (gnomAD no frequency). This missense change has been observed in individual(s) with Usher syndrome (PMID: 26338283). In at least one individual the data is consistent with being in trans (on the opposite chromosome) from a pathogenic variant. ClinVar contains an entry for this variant (Variation ID: 936382). Algorithms developed to predict the effect of missense changes on protein structure and function are either unavailable or do not agree on the potential impact of this missense change (SIFT: "Deleterious"; PolyPhen-2: "Probably Damaging"; Align-GVGD: "Class C0"). In summary, the available evidence is currently insufficient to determine the role of this variant in disease. Therefore, it has been classified as a Variant of Uncertain Significance.

Literature cited by the submitters: PubMed 26338283 (cited by Labcorp Genetics (formerly Invitae), Labcorp).